The following is an entry in ClinVar:

ClinVar aggregate classification (germline): Uncertain significance (1 of 4 stars; one submission).

Conditions:
Cystic fibrosis (CF). Also called: MUCOVISCIDOSIS. Identifiers: Orphanet 586, MedGen C0010674, MONDO:0009061, OMIM 219700. Disease mechanism: loss of function.

Submission:

Ambry Genetics
Classification: Uncertain significance for Cystic fibrosis. Last evaluated: 2026-08-28. Review status: criteria provided, single submitter. Criteria: Ambry Variant Classification Scheme 2023. Collection method: clinical testing. Allele origin: germline.
Comment: The p.N432Y variant (also known as c.1294A>T), located in coding exon 10 of the CFTR gene, results from an A to T substitution at nucleotide position 1294. The asparagine at codon 432 is replaced by tyrosine, an amino acid with dissimilar properties. This amino acid position is conserved. In addition, the in silico prediction for this alteration is inconclusive. Based on the available evidence, the clinical significance of this variant remains unclear.

NM_000492.4(CFTR):c.1294A>T (p.Asn432Tyr)

Genes: CFTR (CF transmembrane conductance regulator; plus strand), CFTR-AS1 (CFTR antisense RNA 1; minus strand). Cytogenetic location: 7q31.2.
Variant type: single nucleotide variant.
Coding change: c.1294A>T on transcript NM_000492.4 (MANE Select); coding-DNA position 1294, A replaced by T.
Protein change: p.Asn432Tyr; replaces asparagine 432 with tyrosine.
Molecular consequence: missense variant.
Genome position (GRCh38, 1-based): chr7:117,548,725, A>T. VCF-style: chr7-117548725-A-T. GRCh37 (hg19) VCF-style: chr7-117188779-A-T.
Other names: short protein forms N432Y.
Identifiers: ClinVar variation 5034483 (VCV005034483.1).